The following is an entry in ClinVar:

NM_198253.3(TERT):c.3117G>A (p.Thr1039=)

Gene: TERT (telomerase reverse transcriptase; minus strand). Cytogenetic location: 5p15.33.
Variant type: single nucleotide variant.
Coding change: c.3117G>A on transcript NM_198253.3 (MANE Select); coding-DNA position 3117, G replaced by A.
Protein change: p.Thr1039=; no amino-acid change (threonine 1039 retained).
Molecular consequence: synonymous variant. On other transcripts: non-coding transcript variant (2).
Genome position (GRCh38, 1-based): chr5:1,255,327, C>T on the plus strand (G>A on the coding strand, the complement: TERT is on the minus strand). VCF-style: chr5-1255327-C-T. GRCh37 (hg19) VCF-style: chr5-1255442-C-T.
Other names: c.2928G>A, p.Thr976= (NM_001193376.3).
Identifiers: ClinVar variation 539198 (VCV000539198.15), dbSNP rs773595628, ClinGen allele CA3184281.

ClinVar aggregate classification (germline): Conflicting classifications of pathogenicity. Review status: criteria provided, conflicting classifications (1 of 4 stars). 5 submissions from 5 submitters: Uncertain significance (1); Likely benign (4). Last evaluated 2026-09-02.

Conditions:
Idiopathic Pulmonary Fibrosis. Also called: Idiopathic fibrosing alveolitis, chronic form; idiopathic fibrosing alveolitis. Identifiers: Orphanet 2032, MedGen C1800706, MeSH D054990, MONDO:0800504.
Dyskeratosis congenita, autosomal dominant 2. Identifiers: MedGen C3151443, MONDO:0013521, OMIM 613989.
TERT-related disorder. Also called: TERT-related disorders; TERT-related condition.
Dyskeratosis congenita. Identifiers: Orphanet 1775, MedGen C0265965, MONDO:0015780.

Allele frequency attached by ClinVar (database versions not stated): gnomAD exomes 0.00002 and 0.00004; ExAC 0.00003.
gnomAD v4.1: 30 of 1,614,126 alleles (0.0019%); highest among the groups gnomAD compares: South Asian, 0.011%; no homozygotes.

Submissions (5):

PreventionGenetics, part of Exact Sciences
Classification: Likely benign for TERT-related condition. Last evaluated: 2026-09-02. Review status: criteria provided, single submitter. Criteria: ACMG Guidelines, 2015. Collection method: clinical testing. Allele origin: germline.
Comment: This variant is classified as likely benign based on ACMG/AMP sequence variant interpretation guidelines (Richards et al. 2015 PMID: 25741868, with internal and published modifications).

Labcorp Genetics (formerly Invitae), Labcorp
Classification: Likely benign for Dyskeratosis congenita, autosomal dominant 2; Idiopathic Pulmonary Fibrosis. Last evaluated: 2025-03-18. Review status: criteria provided, single submitter. Criteria: Invitae Variant Classification Sherloc (09022015). Collection method: clinical testing. Allele origin: germline.

Blueprint Genetics
Classification: Likely benign. Last evaluated: 2024-07-11. Review status: criteria provided, single submitter. Criteria: ACMG Guidelines, 2015. Collection method: clinical testing. Allele origin: germline.

Ambry Genetics
Classification: Likely benign for Dyskeratosis congenita. Last evaluated: 2022-04-19. Review status: criteria provided, single submitter. Criteria: Ambry Variant Classification Scheme 2023. Collection method: clinical testing. Allele origin: germline.

Genetic Services Laboratory, University of Chicago
Classification: Uncertain significance. Last evaluated: 2018-12-06. Review status: criteria provided, single submitter. Criteria: ACMG Guidelines, 2015. Collection method: clinical testing. Allele origin: germline. Affected: no.